The following is an entry in ClinVar:

NM_000051.4(ATM):c.1683A>T (p.Gln561His)

Gene: ATM (ATM serine/threonine kinase; plus strand). Cytogenetic location: 11q22.3.
Variant type: single nucleotide variant.
Coding change: c.1683A>T on transcript NM_000051.4 (MANE Select); coding-DNA position 1683, A replaced by T.
Protein change: p.Gln561His; replaces glutamine 561 with histidine.
Molecular consequence: missense variant.
Genome position (GRCh38, 1-based): chr11:108,251,912, A>T. VCF-style: chr11-108251912-A-T. GRCh37 (hg19) VCF-style: chr11-108122639-A-T.
Other names: c.1683A>T, p.Gln561His (NM_001351834.2); short protein forms Q561H.
Identifiers: ClinVar variation 2453999 (VCV002453999.5), dbSNP rs876660110, ClinGen allele CA382535164.

ClinVar aggregate classification (germline): Uncertain significance. Review status: criteria provided, multiple submitters, no conflicts (2 of 4 stars). 2 submissions from 2 submitters: Uncertain significance (2). Last evaluated 2025-06-22.

Conditions:
Hereditary cancer-predisposing syndrome. Also called: Hereditary neoplastic syndrome; Tumor predisposition; Neoplastic Syndromes, Hereditary; Hereditary Cancer Syndrome. Identifiers: Orphanet 140162, MedGen C0027672, MeSH D009386, MONDO:0015356.
Ataxia-telangiectasia syndrome (AT). Also called: Ataxia-telangiectasia, complementation group D; AT, COMPLEMENTATION GROUP C; Cerebello-oculocutaneous telangiectasia; Immunodeficiency with ataxia telangiectasia; Ataxia-telangiectasia, complementation group E; Ataxia telangiectasia (A-T). Identifiers: Orphanet 100, MedGen C0004135, MONDO:0008840, OMIM 208900.

Submissions (2):

Labcorp Genetics (formerly Invitae), Labcorp
Classification: Uncertain significance for Ataxia-telangiectasia syndrome. Last evaluated: 2025-06-22. Review status: criteria provided, single submitter. Criteria: Invitae Variant Classification Sherloc (09022015). Collection method: clinical testing. Allele origin: germline.
Comment: This sequence change replaces glutamine, which is neutral and polar, with histidine, which is basic and polar, at codon 561 of the ATM protein (p.Gln561His). This variant is not present in population databases (gnomAD no frequency). This variant has not been reported in the literature in individuals affected with ATM-related conditions. ClinVar contains an entry for this variant (Variation ID: 2453999). Invitae Evidence Modeling of protein sequence and biophysical properties (such as structural, functional, and spatial information, amino acid conservation, physicochemical variation, residue mobility, and thermodynamic stability) indicates that this missense variant is not expected to disrupt ATM protein function with a negative predictive value of 95%. In summary, the available evidence is currently insufficient to determine the role of this variant in disease. Therefore, it has been classified as a Variant of Uncertain Significance.

Ambry Genetics
Classification: Uncertain significance for Hereditary cancer-predisposing syndrome. Last evaluated: 2023-03-05. Review status: criteria provided, single submitter. Criteria: Ambry Variant Classification Scheme 2023. Collection method: clinical testing. Allele origin: germline.
Comment: The p.Q561H variant (also known as c.1683A>T), located in coding exon 10 of the ATM gene, results from an A to T substitution at nucleotide position 1683. The glutamine at codon 561 is replaced by histidine, an amino acid with highly similar properties. This amino acid position is conserved. In addition, this alteration is predicted to be tolerated by in silico analysis. Since supporting evidence is limited at this time, the clinical significance of this alteration remains unclear.